The following is an entry in ClinVar:

ClinVar aggregate classification (germline): Uncertain significance (1 of 4 stars; one submission).

Conditions:
Hereditary cancer-predisposing syndrome. Also called: Tumor predisposition; Hereditary neoplastic syndrome; Hereditary Cancer Syndrome; Neoplastic Syndromes, Hereditary. Identifiers: Orphanet 140162, MedGen C0027672, MeSH D009386, MONDO:0015356.

Submission:

Ambry Genetics
Classification: Uncertain significance for Hereditary cancer-predisposing syndrome. Last evaluated: 2023-11-06. Review status: criteria provided, single submitter. Criteria: Ambry Variant Classification Scheme 2023. Collection method: clinical testing. Allele origin: germline.
Comment: The p.F422S variant (also known as c.1265T>C), located in coding exon 9 of the BMPR1A gene, results from a T to C substitution at nucleotide position 1265. The phenylalanine at codon 422 is replaced by serine, an amino acid with highly dissimilar properties. This amino acid position is conserved. In addition, the in silico prediction for this alteration is inconclusive. Since supporting evidence is limited at this time, the clinical significance of this alteration remains unclear.

NM_004329.3(BMPR1A):c.1265T>C (p.Phe422Ser)

Gene: BMPR1A (bone morphogenetic protein receptor type 1A; plus strand). Cytogenetic location: 10q23.2.
Variant type: single nucleotide variant.
Coding change: c.1265T>C on transcript NM_004329.3 (MANE Select); coding-DNA position 1265, T replaced by C.
Protein change: p.Phe422Ser; replaces phenylalanine 422 with serine.
Molecular consequence: missense variant. On other transcripts: non-coding transcript variant (3).
Genome position (GRCh38, 1-based): chr10:86,921,618, T>C. VCF-style: chr10-86921618-T-C. GRCh37 (hg19) VCF-style: chr10-88681375-T-C.
Other names: c.1313T>C, p.Phe438Ser (NM_001406560.1); c.1265T>C, p.Phe422Ser (NM_001406561.1, NM_001406562.1, NM_001406563.1 and 19 more transcripts); c.1340T>C, p.Phe447Ser (NM_001406559.1); c.1259T>C, p.Phe420Ser (NM_001406583.1); c.1181T>C, p.Phe394Ser (NM_001406584.1, NM_001406585.1, NM_001406586.1 and 2 more transcripts); c.923T>C, p.Phe308Ser (NM_001406589.1); short protein forms F308S, F394S, F420S, F422S, F438S, F447S.
Identifiers: ClinVar variation 3223943 (VCV003223943.1), dbSNP rs2539637262, ClinGen allele CA377462163.